The following is an entry in ClinVar:

ClinVar aggregate classification (germline): Uncertain significance (1 of 4 stars; one submission).

Conditions:
Encephalopathy, acute, infection-induced (herpes-specific), susceptibility to, 1. Also called: Herpes simplex encephalitis, susceptibility to, 1. Identifiers: Orphanet 1930, MedGen C2750180, MONDO:0024563, OMIM 610551.

Submission:

Labcorp Genetics (formerly Invitae), Labcorp
Classification: Uncertain significance for Encephalopathy, acute, infection-induced (herpes-specific), susceptibility to, 1. Last evaluated: 2024-01-31. Review status: criteria provided, single submitter. Criteria: Invitae Variant Classification Sherloc (09022015). Collection method: clinical testing. Allele origin: unknown.
Comment: A copy number gain of the genomic region encompassing the full coding sequence of the TLR3 gene has been identified. The boundaries of this event are unknown as they extend beyond the assayed region for this gene and therefore may encompass additional genes. As the precise location of this event is unknown, it may be in tandem or it may be located elsewhere in the genome. This variant has not been reported in the literature in individuals affected with TLR3-related conditions. In summary, the available evidence is currently insufficient to determine the role of this variant in disease. Therefore, it has been classified as a Variant of Uncertain Significance.

NC_000004.11:g.(?_186997774)_(187006027_?)dup

Gene: TLR3 (toll like receptor 3; plus strand). Cytogenetic location: 4q35.1.
Variant type: Duplication.
Identifiers: ClinVar variation 3246668 (VCV003246668.1).